The following is an entry in ClinVar:

NM_001130987.2(DYSF):c.2344G>T (p.Glu782Ter)

Gene: DYSF (dysferlin; plus strand). Cytogenetic location: 2p13.2.
Variant type: single nucleotide variant.
Coding change: c.2344G>T on transcript NM_001130987.2 (MANE Select); coding-DNA position 2344, G replaced by T.
Protein change: p.Glu782Ter; replaces glutamic acid 782 with a stop codon.
Molecular consequence: nonsense.
Genome position (GRCh38, 1-based): chr2:71,561,879, G>T. VCF-style: chr2-71561879-G-T. GRCh37 (hg19) VCF-style: chr2-71789009-G-T.
Other names: NM_001130987.2(DYSF):c.2344G>T; p.Glu782Ter; c.2293G>T, p.Glu765Ter (NM_001130455.2, NM_001130983.2); c.2248G>T, p.Glu750Ter (NM_001130976.2, NM_001130977.2); c.2290G>T, p.Glu764Ter (NM_001130978.2, NM_003494.4); c.2383G>T, p.Glu795Ter (NM_001130979.2); c.2341G>T, p.Glu781Ter (NM_001130980.2, NM_001130981.2); c.2386G>T, p.Glu796Ter (NM_001130982.2); and 2 more; short protein forms E764*, E782*, E751*, E765*, E781*, E796*, E750*, E795*.
Identifiers: ClinVar variation 288442 (VCV000288442.9), dbSNP rs886043901, ClinGen allele CA10606093.
Genomic context (GRCh38, chr2:71,561,879, plus strand): 5'-CGCACCCATCACCTGAGCCAAATCACTGAGGCTGCCCTGGCCCTGAAGCTCGGCCACAGT[G>T]AGCTCCCTGCAGCTCTGGAGCAGGCGGAGGACTGGCTCCTGCGTCTGCGTGCCCTGGCAG-3'

ClinVar aggregate classification (germline): Pathogenic. Review status: reviewed by expert panel (3 of 4 stars). 4 submissions from 4 submitters: Pathogenic (1). 3 of the submissions do not count toward it. Last evaluated 2026-01-23.

Conditions:
Autosomal recessive limb-girdle muscular dystrophy. Identifiers: Orphanet 102015, MedGen C2931907, MONDO:0015152.
Neuromuscular disease caused by qualitative or quantitative defects of dysferlin. Also called: Dysferlinopathy; Qualitative or quantitative defects of dysferlin. Identifiers: Orphanet 207073, MedGen C2931687, MONDO:0016145.

Submissions (4):

ClinGen Limb Girdle Muscular Dystrophy Variant Curation Expert Panel, ClinGen
Classification: Pathogenic for Autosomal recessive limb-girdle muscular dystrophy. Last evaluated: 2026-01-23. Review status: reviewed by expert panel. Criteria: ClinGen LGMD VCEP ACMG Specifications DYSF V2.0.0. Collection method: curation. Allele origin: germline. Inheritance: Autosomal recessive inheritance.
Comment: The NM_003494.4: c.2290G>T p.(Glu764Ter) variant in DYSF, which is also known as NM_001130987.2: c.2344G>T p.(Glu782Ter), is a nonsense variant predicted to cause a premature stop codon in biologically relevant exon 23/55, leading to nonsense mediated decay in a gene in which loss of function is an established disease mechanism (PVS1). This variant has been identified in an individual with suspected LGMD but above disease range dysferlin expression, where it was identified with a second presumed diagnostic variant in unknown phase (c.2638G>A p.(Glu880Lys), PMID: 30564623, LOVD Individual #00220801; Jain Foundation Dysferlin Registry internal data communication). This variant is absent from gnomAD v4.1.0 (PM2_Supporting). In summary, this variant meets the criteria to be classified as Likely pathogenic for autosomal recessive limb girdle muscular dystrophy based on the ACMG/AMP criteria applied, as specified by the ClinGen LGMD VCEP (LGMD VCEP specifications version 2.0.0; 01/23/2026): PVS1, PM2_Supporting.

Labcorp Genetics (formerly Invitae), Labcorp
Classification: Pathogenic for Neuromuscular disease caused by qualitative or quantitative defects of dysferlin. Last evaluated: 2024-05-10. Review status: criteria provided, single submitter. Criteria: Invitae Variant Classification Sherloc (09022015). Collection method: clinical testing. Allele origin: germline. Not counted in ClinVar's aggregate classification.
Comment: This sequence change creates a premature translational stop signal (p.Glu764*) in the DYSF gene. It is expected to result in an absent or disrupted protein product. Loss-of-function variants in DYSF are known to be pathogenic (PMID: 17698709, 20301480). This variant is not present in population databases (gnomAD no frequency). This variant has not been reported in the literature in individuals affected with DYSF-related conditions. ClinVar contains an entry for this variant (Variation ID: 288442). For these reasons, this variant has been classified as Pathogenic.

Revvity Omics, Revvity
Classification: Likely pathogenic. Last evaluated: 2024-03-05. Review status: criteria provided, single submitter. Criteria: ACMG Guidelines, 2015. Collection method: clinical testing. Allele origin: germline. Not counted in ClinVar's aggregate classification.

Eurofins Ntd Llc (ga)
Classification: Pathogenic. Last evaluated: 2016-06-03. Review status: criteria provided, single submitter. Criteria: EGL Classification Definitions 2015. Collection method: clinical testing. Allele origin: germline. Observed: 1 variant allele, 1 heterozygote. Not counted in ClinVar's aggregate classification.

Literature cited by the submitters: PubMed 17698709 (cited by Labcorp Genetics (formerly Invitae), Labcorp); PubMed 20301480 (cited by Labcorp Genetics (formerly Invitae), Labcorp).